The following is an entry in ClinVar:

NM_032043.3(BRIP1):c.705G>A (p.Lys235=)

Gene: BRIP1 (BRCA1 interacting DNA helicase 1; minus strand). Cytogenetic location: 17q23.2.
Variant type: single nucleotide variant.
Coding change: c.705G>A on transcript NM_032043.3 (MANE Select); coding-DNA position 705, G replaced by A.
Protein change: p.Lys235=; no amino-acid change (lysine 235 retained).
Molecular consequence: synonymous variant.
Genome position (GRCh38, 1-based): chr17:61,808,680, C>T on the plus strand (G>A on the coding strand, the complement: BRIP1 is on the minus strand). VCF-style: chr17-61808680-C-T. GRCh37 (hg19) VCF-style: chr17-59886041-C-T.
Identifiers: ClinVar variation 1647343 (VCV001647343.10), dbSNP rs1332585999, ClinGen allele CA501335688.
Genomic context (GRCh38, chr17:61,808,680, plus strand): 5'-CTGCTTGTGTGTGCGTGTCCCAAAATATATTTTGGGTATCTTGGATTTCCCTGTATGATC[C>T]TTCTTAATGGTATTCGATGACTCTTGACTGTTTCCTTGTTTAGTAGAACAACAGCACCTA-3'
Protein context (NP_114432.2, residues 225-245): NSQESSNTIK[Lys235=]DHTGKSKIPK

ClinVar aggregate classification (germline): Benign/Likely benign. Review status: criteria provided, multiple submitters, no conflicts (2 of 4 stars). 2 submissions from 2 submitters: Benign (1); Likely benign (1). Last evaluated 2024-08-22.

Conditions:
Familial cancer of breast. Also called: Hereditary breast cancer; hereditary breast carcinoma; BREAST CANCER, FAMILIAL. Identifiers: Orphanet 227535, MedGen C0346153, MONDO:0016419, OMIM 114480. Disease mechanism: loss of function.
Fanconi anemia complementation group J. Also called: BRIP1-Related Fanconi Anemia. Identifiers: Orphanet 84, MedGen C1836860, MONDO:0012187, OMIM 609054.

Allele frequency attached by ClinVar (database versions not stated): TOPMed below 0.00001; gnomAD 0.00001.
gnomAD v4.1: 1 of 1,613,756 alleles (0.000062%); highest among the groups gnomAD compares: Non-Finnish European, 0.000085%; no homozygotes.

Submissions (2):

Myriad Genetics, Inc.
Classification: Benign for Familial cancer of breast. Last evaluated: 2024-08-22. Review status: criteria provided, single submitter. Criteria: Myriad Autosomal Dominant, Autosomal Recessive and X-Linked Classification Criteria (2023). Collection method: clinical testing. Allele origin: unknown.
Comment: This variant is considered benign. This variant is a silent/synonymous amino acid change and it is not expected to impact splicing.

Labcorp Genetics (formerly Invitae), Labcorp
Classification: Likely benign for Familial cancer of breast; Fanconi anemia complementation group J. Last evaluated: 2024-08-20. Review status: criteria provided, single submitter. Criteria: Invitae Variant Classification Sherloc (09022015). Collection method: clinical testing. Allele origin: germline.